The following is an entry in ClinVar:

NM_005585.5(SMAD6):c.428A>T (p.Asp143Val)

Gene: SMAD6 (SMAD family member 6; plus strand). Cytogenetic location: 15q22.31.
Variant type: single nucleotide variant.
Coding change: c.428A>T on transcript NM_005585.5 (MANE Select); coding-DNA position 428, A replaced by T.
Protein change: p.Asp143Val; replaces aspartic acid 143 with valine.
Molecular consequence: missense variant. On other transcripts: non-coding transcript variant (1).
Genome position (GRCh38, 1-based): chr15:66,703,686, A>T. VCF-style: chr15-66703686-A-T. GRCh37 (hg19) VCF-style: chr15-66996024-A-T.
Other names: short protein forms D143V.
Identifiers: ClinVar variation 2812388 (VCV002812388.3), dbSNP rs2545311709, ClinGen allele CA392949538.
Genomic context (GRCh38, chr15:66,703,686, plus strand): 5'-CGGTGACCTGCTGTCTCTTTTCGGAGCGGGACGCCGCCGGCGCGCCCCGGGACGCCAGCG[A>T]CCCCCTGGCCGGGGCGGCCCTGGAGCCGGCGGGCGGCGGGCGGAGTCGCGAAGCGCGCTC-3'
Protein context (NP_005576.3, residues 133-153): DAAGAPRDAS[Asp143Val]PLAGAALEPA

ClinVar aggregate classification (germline): Uncertain significance (1 of 4 stars; one submission).

Conditions:
Aortic valve disease 2 (AOVD2). Identifiers: MedGen C3542024, MONDO:0013902, OMIM 614823.

Submission:

Labcorp Genetics (formerly Invitae), Labcorp
Classification: Uncertain significance for Aortic valve disease 2. Last evaluated: 2023-05-16. Review status: criteria provided, single submitter. Criteria: Invitae Variant Classification Sherloc (09022015). Collection method: clinical testing. Allele origin: germline.
Comment: This variant is not present in population databases (gnomAD no frequency). In summary, the available evidence is currently insufficient to determine the role of this variant in disease. Therefore, it has been classified as a Variant of Uncertain Significance. Advanced modeling of protein sequence and biophysical properties (such as structural, functional, and spatial information, amino acid conservation, physicochemical variation, residue mobility, and thermodynamic stability) performed at Invitae indicates that this missense variant is not expected to disrupt SMAD6 protein function. This variant has not been reported in the literature in individuals affected with SMAD6-related conditions. This sequence change replaces aspartic acid, which is acidic and polar, with valine, which is neutral and non-polar, at codon 143 of the SMAD6 protein (p.Asp143Val).